The following is an entry in ClinVar:

NM_033440.3(CELA2A):c.770A>G (p.Asn257Ser)

Gene: CELA2A (chymotrypsin like elastase 2A; plus strand). Cytogenetic location: 1p36.21.
Variant type: single nucleotide variant.
Coding change: c.770A>G on transcript NM_033440.3 (MANE Select); coding-DNA position 770, A replaced by G.
Protein change: p.Asn257Ser; replaces asparagine 257 with serine.
Molecular consequence: missense variant.
Genome position (GRCh38, 1-based): chr1:15,467,516, A>G. VCF-style: chr1-15467516-A-G. GRCh37 (hg19) VCF-style: chr1-15794011-A-G.
Other names: short protein forms N257S.
Identifiers: ClinVar variation 3777863 (VCV003777863.7).

ClinVar aggregate classification (germline): Likely benign (1 of 4 stars; one submission).

Submission:

CeGaT Center for Human Genetics Tuebingen
Classification: Likely benign. Last evaluated: 2026-07-01. Review status: criteria provided, single submitter. Criteria: CeGaT Center For Human Genetics Tuebingen Variant Classification Criteria Version 2. Collection method: clinical testing. Allele origin: germline. Affected: yes. Observed: 3 variant alleles.
Comment: CELA2A: BP4, BS2